The following is an entry in ClinVar:

ClinVar aggregate classification (germline): Uncertain significance (1 of 4 stars; one submission).

Conditions:
Hereditary cancer-predisposing syndrome. Also called: Neoplastic Syndromes, Hereditary; Tumor predisposition; Hereditary neoplastic syndrome; Hereditary Cancer Syndrome. Identifiers: Orphanet 140162, MedGen C0027672, MeSH D009386, MONDO:0015356.

Submission:

Ambry Genetics
Classification: Uncertain significance for Hereditary cancer-predisposing syndrome. Last evaluated: 2026-07-07. Review status: criteria provided, single submitter. Criteria: Ambry Variant Classification Scheme 2023. Collection method: clinical testing. Allele origin: germline.
Comment: The p.A530T variant (also known as c.1588G>A), located in coding exon 10 of the PDGFRA gene, results from a G to A substitution at nucleotide position 1588. The alanine at codon 530 is replaced by threonine, an amino acid with similar properties. This amino acid position is conserved. In addition, the in silico prediction for this alteration is inconclusive. Based on the available evidence, the clinical significance of this variant remains unclear.

NM_006206.6(PDGFRA):c.1588G>A (p.Ala530Thr)

Gene: PDGFRA (platelet derived growth factor receptor alpha; plus strand). Cytogenetic location: 4q12.
Variant type: single nucleotide variant.
Coding change: c.1588G>A on transcript NM_006206.6 (MANE Select); coding-DNA position 1588, G replaced by A.
Protein change: p.Ala530Thr; replaces alanine 530 with threonine.
Molecular consequence: missense variant.
Genome position (GRCh38, 1-based): chr4:54,274,560, G>A. VCF-style: chr4-54274560-G-A. GRCh37 (hg19) VCF-style: chr4-55140727-G-A.
Other names: c.1588G>A, p.Ala530Thr (NM_001347827.2, NM_001347829.2); c.1663G>A, p.Ala555Thr (NM_001347828.2); c.1627G>A, p.Ala543Thr (NM_001347830.2); short protein forms A530T, A543T, A555T.
Identifiers: ClinVar variation 5026426 (VCV005026426.1).